The following is an entry in ClinVar:

NM_001330360.2(POLA1):c.539C>A (p.Thr180Asn)

Gene: POLA1 (DNA polymerase alpha 1, catalytic subunit; plus strand). Cytogenetic location: Xp22.11.
Variant type: single nucleotide variant.
Coding change: c.539C>A on transcript NM_001330360.2 (MANE Select); coding-DNA position 539, C replaced by A.
Protein change: p.Thr180Asn; replaces threonine 180 with asparagine.
Molecular consequence: missense variant. On other transcripts: non-coding transcript variant (2).
Genome position (GRCh38, 1-based): chrX:24,716,375, C>A. VCF-style: chrX-24716375-C-A. GRCh37 (hg19) VCF-style: chrX-24734492-C-A.
Other names: c.539C>A, p.Thr180Asn (NM_001378303.1, NM_001440806.1); c.521C>A, p.Thr174Asn (NM_016937.4); short protein forms T180N, T174N.
Identifiers: ClinVar variation 4775436 (VCV004775436.1).
Genomic context (GRCh38, chrX:24,716,375, plus strand): 5'-GTGGTAAACCAAGCATGGCAGTGAATATGTCTTACCTTTCCTTTTAGACACCTCAAATAA[C>A]TCCACCACCTGTAATGATACTGAAGAAGAAAAGATCCATTGGAGCTTCACCGAATCCTTT-3'
Protein context (NP_001317289.1, residues 170-190): QDLNTETPQI[Thr180Asn]PPPVMILKKK

ClinVar aggregate classification (germline): Uncertain significance (1 of 4 stars; one submission).

gnomAD v4.1: 23 of 1,164,715 alleles (0.002%); highest among the groups gnomAD compares: Non-Finnish European, 0.0026%; no homozygotes.

Submission:

Labcorp Genetics (formerly Invitae), Labcorp
Classification: Uncertain significance. Last evaluated: 2025-09-17. Review status: criteria provided, single submitter. Criteria: Invitae Variant Classification Sherloc (09022015). Collection method: clinical testing. Allele origin: germline.
Comment: This sequence change replaces threonine, which is neutral and polar, with asparagine, which is neutral and polar, at codon 174 of the POLA1 protein (p.Thr174Asn). This variant is present in population databases (rs368651244, gnomAD 0.004%). This variant has not been reported in the literature in individuals affected with POLA1-related conditions. Invitae Evidence Modeling of protein sequence and biophysical properties (such as structural, functional, and spatial information, amino acid conservation, physicochemical variation, residue mobility, and thermodynamic stability) indicates that this missense variant is not expected to disrupt POLA1 protein function with a negative predictive value of 80%. In summary, the available evidence is currently insufficient to determine the role of this variant in disease. Therefore, it has been classified as a Variant of Uncertain Significance.